The following is an entry in ClinVar:

NM_001458.5(FLNC):c.699+2T>C

Gene: FLNC (filamin C; plus strand). Cytogenetic location: 7q32.1.
Variant type: single nucleotide variant.
Coding change: c.699+2T>C on transcript NM_001458.5 (MANE Select); the canonical splice donor site of the intron after coding-DNA position 699, T replaced by C.
Molecular consequence: splice donor variant.
Genome position (GRCh38, 1-based): chr7:128,837,259, T>C. VCF-style: chr7-128837259-T-C. GRCh37 (hg19) VCF-style: chr7-128477313-T-C.
Other names: c.699+2T>C (NM_001127487.2).
Identifiers: ClinVar variation 3757973 (VCV003757973.2).

ClinVar aggregate classification (germline): Likely pathogenic (1 of 4 stars; one submission).

Conditions:
Distal myopathy with posterior leg and anterior hand involvement. Also called: WILLIAMS DISTAL MYOPATHY. Identifiers: Orphanet 63273, MedGen C3279722, MONDO:0013550, OMIM 614065.
Hypertrophic cardiomyopathy 26. Also called: Cardiomyopathy, familial hypertrophic, 26. Identifiers: Orphanet 75249, MedGen C4310749, MONDO:0014883, OMIM 617047.
Myofibrillar myopathy 5. Also called: Filaminopathy (type); FILAMINOPATHY, AUTOSOMAL DOMINANT. Identifiers: Orphanet 171445, MedGen C1836050, MONDO:0012289, OMIM 609524.

Submission:

Labcorp Genetics (formerly Invitae), Labcorp
Classification: Likely pathogenic for Distal myopathy with posterior leg and anterior hand involvement; Myofibrillar myopathy 5; Hypertrophic cardiomyopathy 26. Last evaluated: 2024-09-09. Review status: criteria provided, single submitter. Criteria: Invitae Variant Classification Sherloc (09022015). Collection method: clinical testing. Allele origin: germline.
Comment: This sequence change affects a donor splice site in intron 3 of the FLNC gene. It is expected to disrupt RNA splicing. Variants that disrupt the donor or acceptor splice site typically lead to a loss of protein function (PMID: 16199547), and loss-of-function variants in FLNC are known to be pathogenic (PMID: 27908349). This variant is not present in population databases (gnomAD no frequency). This variant has not been reported in the literature in individuals affected with FLNC-related conditions. Algorithms developed to predict the effect of sequence changes on RNA splicing suggest that this variant may disrupt the consensus splice site. In summary, the currently available evidence indicates that the variant is pathogenic, but additional data are needed to prove that conclusively. Therefore, this variant has been classified as Likely Pathogenic.

Literature cited by the submitters: PubMed 16199547; PubMed 27908349.